The following is an entry in ClinVar:

NM_001148.6(ANK2):c.8430A>T (p.Glu2810Asp)

Gene: ANK2 (ankyrin 2; plus strand). Cytogenetic location: 4q26.
Variant type: single nucleotide variant.
Coding change: c.8430A>T on transcript NM_001148.6 (MANE Select); coding-DNA position 8430, A replaced by T.
Protein change: p.Glu2810Asp; replaces glutamic acid 2810 with aspartic acid.
Molecular consequence: missense variant. On other transcripts: intron variant (68).
Genome position (GRCh38, 1-based): chr4:113,357,048, A>T. VCF-style: chr4-113357048-A-T. GRCh37 (hg19) VCF-style: chr4-114278204-A-T.
Other names: c.8196A>T, p.Glu2732Asp (NM_001386142.1); c.4830A>T, p.Glu1610Asp (NM_001386166.1); c.8571A>T, p.Glu2857Asp (NM_001386174.1); c.8547A>T, p.Glu2849Asp (NM_001386175.1); c.4412-3775A>T (NM_001386186.2, NM_001386148.2); c.4214-3775A>T (NM_001354269.3); c.4292-3775A>T (NM_001386187.2); c.4253-3775A>T (NM_001386147.1); and 35 more; short protein forms E2732D, E2857D, E1610D, E2810D, E2849D.
Identifiers: ClinVar variation 1362477 (VCV001362477.8), dbSNP rs2095832685, ClinGen allele CA357934038.
Genomic context (GRCh38, chr4:113,357,048, plus strand): 5'-TTCAGGTCTACAGAGTCCGACTGGTGATGATGTTGATGAACAGCCAGTCATCTATAAAGA[A>T]TCATTAGCTCTCCAAGGCACTCATGAAAAAGACACAGAGGGAGAAGAGCTTGATGTTTCT-3'
Protein context (NP_001139.3, residues 2800-2820): DVDEQPVIYK[Glu2810Asp]SLALQGTHEK

ClinVar aggregate classification (germline): Uncertain significance (1 of 4 stars; one submission).

Conditions:
Long QT syndrome (LQTS). Identifiers: MedGen C0023976, MeSH D008133, MONDO:0002442. Disease mechanism: loss of function. Inheritance: Various modes of inheritance.

Submission:

Labcorp Genetics (formerly Invitae), Labcorp
Classification: Uncertain significance for Long QT syndrome. Last evaluated: 2022-08-23. Review status: criteria provided, single submitter. Criteria: Invitae Variant Classification Sherloc (09022015). Collection method: clinical testing. Allele origin: germline.
Comment: This variant has not been reported in the literature in individuals affected with ANK2-related conditions. This variant is not present in population databases (gnomAD no frequency). This sequence change replaces glutamic acid, which is acidic and polar, with aspartic acid, which is acidic and polar, at codon 2810 of the ANK2 protein (p.Glu2810Asp). ClinVar contains an entry for this variant (Variation ID: 1362477). In summary, the available evidence is currently insufficient to determine the role of this variant in disease. Therefore, it has been classified as a Variant of Uncertain Significance. Algorithms developed to predict the effect of missense changes on protein structure and function output the following: SIFT: "Tolerated"; PolyPhen-2: "Benign"; Align-GVGD: "Class C0". The aspartic acid amino acid residue is found in multiple mammalian species, which suggests that this missense change does not adversely affect protein function.